The following is an entry in ClinVar:

ClinVar aggregate classification (germline): Likely benign. Review status: criteria provided, multiple submitters, no conflicts (2 of 4 stars). 3 submissions from 3 submitters: Likely benign (3). Last evaluated 2026-02-01.

Conditions:
Hyperaldosteronism, familial, type IV (HALD4). Also called: FH IV; ALDOSTERONISM, PRIMARY, AND HYPERTENSION. Identifiers: Orphanet 642671, MedGen C4310756, MONDO:0014875, OMIM 617027.
Idiopathic generalized epilepsy. Also called: EIG; Generalised epilepsy. Identifiers: MedGen C0270850, MONDO:0005579, OMIM 600669.
Epilepsy, childhood absence, susceptibility to, 6. Identifiers: Orphanet 64280, MedGen C2749872, MONDO:0012763, OMIM 611942.

Allele frequency attached by ClinVar (database versions not stated): gnomAD 0.00003; TOPMed 0.00003; gnomAD exomes 0.00004; ESP Exome Variant Server 0.00009; 1000 Genomes Project 30x 0.00016; 1000 Genomes Project 0.00020.
gnomAD v4.1: 61 of 1,563,552 alleles (0.0039%); highest among the groups gnomAD compares: East Asian, 0.031%; no homozygotes.

Submissions (3):

Labcorp Genetics (formerly Invitae), Labcorp
Classification: Likely benign for Idiopathic generalized epilepsy; Hyperaldosteronism, familial, type IV. Last evaluated: 2026-02-01. Review status: criteria provided, single submitter. Criteria: Invitae Variant Classification Sherloc (09022015). Collection method: clinical testing. Allele origin: germline.

CeGaT Center for Human Genetics Tuebingen
Classification: Likely benign. Last evaluated: 2022-10-01. Review status: criteria provided, single submitter. Criteria: CeGaT Center For Human Genetics Tuebingen Variant Classification Criteria Version 2. Collection method: clinical testing. Allele origin: germline. Affected: yes. Observed: 1 variant allele.
Comment: CACNA1H: BP4, BP7

Fulgent Genetics
Classification: Likely benign for Epilepsy, childhood absence, susceptibility to, 6; Hyperaldosteronism, familial, type IV. Last evaluated: 2022-04-19. Review status: criteria provided, single submitter. Criteria: ACMG Guidelines, 2015. Collection method: clinical testing. Allele origin: unknown.

NM_021098.3(CACNA1H):c.3339G>A (p.Pro1113=)

Gene: CACNA1H (calcium voltage-gated channel subunit alpha1 H; plus strand). Cytogenetic location: 16p13.3.
Variant type: single nucleotide variant.
Coding change: c.3339G>A on transcript NM_021098.3 (MANE Select); coding-DNA position 3339, G replaced by A.
Protein change: p.Pro1113=; no amino-acid change (proline 1113 retained).
Molecular consequence: synonymous variant.
Genome position (GRCh38, 1-based): chr16:1,208,197, G>A. VCF-style: chr16-1208197-G-A. GRCh37 (hg19) VCF-style: chr16-1258197-G-A.
Other names: c.3339G>A, p.Pro1113= (NM_001005407.2).
Identifiers: ClinVar variation 1138719 (VCV001138719.33), dbSNP rs368155283, ClinGen allele CA7800724.
Genomic context (GRCh38, chr16:1,208,197, plus strand): 5'-CCTGGATGCAGCCCCCAGCCTCCCAGACTCTCGGCGTGGCAGCAGCAGCTCCGGGGACCC[G>A]CCACTGGGAGACCAGAAGCCTCCGGTAGGGACCATCTCCTGCCCCAGCTCTCAGGCCCCT-3'
Protein context (NP_066921.2, residues 1103-1123): SRRGSSSSGD[Pro1113=]PLGDQKPPAS